The following is an entry in ClinVar:

NM_001322934.2(NFKB2):c.28G>A (p.Asp10Asn)

Genes: NFKB2 (nuclear factor kappa B subunit 2; plus strand), LOC130004598 (ATAC-STARR-seq lymphoblastoid active region 3929; plus strand). Cytogenetic location: 10q24.32.
Variant type: single nucleotide variant.
Coding change: c.28G>A on transcript NM_001322934.2 (MANE Select); coding-DNA position 28, G replaced by A.
Protein change: p.Asp10Asn; replaces aspartic acid 10 with asparagine.
Molecular consequence: missense variant.
Genome position (GRCh38, 1-based): chr10:102,396,259, G>A. VCF-style: chr10-102396259-G-A. GRCh37 (hg19) VCF-style: chr10-104156016-G-A.
Other names: c.28G>A, p.Asp10Asn (NM_001077493.1, NM_001077494.3, NM_001261403.3 and 3 more transcripts); short protein forms D10N.
Identifiers: ClinVar variation 2754038 (VCV002754038.3), dbSNP rs2061110285, ClinGen allele CA377895736.

ClinVar aggregate classification (germline): Uncertain significance (1 of 4 stars; one submission).

Conditions:
Immunodeficiency, common variable, 10. Also called: IMMUNODEFICIENCY, COMMON VARIABLE, WITH CENTRAL ADRENAL INSUFFICIENCY; DEFICIT IN ANTERIOR PITUITARY FUNCTION AND VARIABLE IMMUNODEFICIENCY. Identifiers: MedGen C3809991, MONDO:0014260, OMIM 615577.

Allele frequency attached by ClinVar (database versions not stated): TOPMed below 0.00001.

Submission:

Labcorp Genetics (formerly Invitae), Labcorp
Classification: Uncertain significance for Immunodeficiency, common variable, 10. Last evaluated: 2023-08-19. Review status: criteria provided, single submitter. Criteria: Invitae Variant Classification Sherloc (09022015). Collection method: clinical testing. Allele origin: germline.
Comment: In summary, the available evidence is currently insufficient to determine the role of this variant in disease. Therefore, it has been classified as a Variant of Uncertain Significance. An algorithm developed to predict the effect of missense changes on protein structure and function (PolyPhen-2) suggests that this variant is likely to be disruptive. This sequence change replaces aspartic acid, which is acidic and polar, with asparagine, which is neutral and polar, at codon 10 of the NFKB2 protein (p.Asp10Asn). This variant is not present in population databases (gnomAD no frequency). This variant has not been reported in the literature in individuals affected with NFKB2-related conditions.